The following is an entry in ClinVar:

NM_001329943.3(KIAA0586):c.2201C>G (p.Pro734Arg)

Gene: KIAA0586 (KIAA0586; plus strand). Cytogenetic location: 14q23.1.
Variant type: single nucleotide variant.
Coding change: c.2201C>G on transcript NM_001329943.3 (MANE Select); coding-DNA position 2201, C replaced by G.
Protein change: p.Pro734Arg; replaces proline 734 with arginine.
Molecular consequence: missense variant.
Genome position (GRCh38, 1-based): chr14:58,465,976, C>G. VCF-style: chr14-58465976-C-G. GRCh37 (hg19) VCF-style: chr14-58932694-C-G.
Other names: c.2360C>G, p.Pro787Arg (NM_001244189.2); c.2156C>G, p.Pro719Arg (NM_001244190.2); c.1946C>G, p.Pro649Arg (NM_001244191.2, NM_001329945.2, NM_001364700.1 and 1 more transcripts); c.2069C>G, p.Pro690Arg (NM_001244192.2); c.1781C>G, p.Pro594Arg (NM_001244193.2); c.2201C>G, p.Pro734Arg (NM_001329944.2, NM_001329946.2, NM_001329947.2); c.1973C>G, p.Pro658Arg (NM_014749.5); short protein forms P649R, P658R, P719R, P787R, P594R, P690R, P734R.
Identifiers: ClinVar variation 1391368 (VCV001391368.3), dbSNP rs372160214, ClinGen allele CA7205808.

ClinVar aggregate classification (germline): Uncertain significance (1 of 4 stars; one submission).

Conditions:
Joubert syndrome 23 (JBTS23). Identifiers: Orphanet 475, MedGen C4084822, MONDO:0014664, OMIM 616490.
Short-rib thoracic dysplasia 14 with polydactyly (SRTD14). Identifiers: Orphanet 397715, MedGen C4225286, MONDO:0014688, OMIM 616546.

Allele frequency attached by ClinVar (database versions not stated): gnomAD 0.00001 and 0.00002; TOPMed 0.00002; gnomAD exomes 0.00003 and 0.00006; ExAC 0.00004; ESP Exome Variant Server 0.00008.
gnomAD v4.1: 57 of 1,613,276 alleles (0.0035%); highest among the groups gnomAD compares: African/African-American, 0.0013%; no homozygotes.

Submission:

Labcorp Genetics (formerly Invitae), Labcorp
Classification: Uncertain significance for Joubert syndrome 23; Short-rib thoracic dysplasia 14 with polydactyly. Last evaluated: 2022-03-20. Review status: criteria provided, single submitter. Criteria: Invitae Variant Classification Sherloc (09022015). Collection method: clinical testing. Allele origin: germline.
Comment: This sequence change replaces proline, which is neutral and non-polar, with arginine, which is basic and polar, at codon 787 of the KIAA0586 protein (p.Pro787Arg). This variant is present in population databases (rs372160214, gnomAD 0.2%). This variant has not been reported in the literature in individuals affected with KIAA0586-related conditions. Algorithms developed to predict the effect of missense changes on protein structure and function are either unavailable or do not agree on the potential impact of this missense change (SIFT: "Deleterious"; PolyPhen-2: "Probably Damaging"; Align-GVGD: "Class C0"). In summary, the available evidence is currently insufficient to determine the role of this variant in disease. Therefore, it has been classified as a Variant of Uncertain Significance.